The following is an entry in ClinVar:

ClinVar aggregate classification (germline): Pathogenic. Review status: criteria provided, multiple submitters, no conflicts (2 of 4 stars). 2 submissions from 2 submitters: Pathogenic (2). Last evaluated 2024-12-22.

Conditions:
Microcephaly, normal intelligence and immunodeficiency (NBS). Also called: IMMUNODEFICIENCY, MICROCEPHALY, AND CHROMOSOMAL INSTABILITY; SEEMANOVA SYNDROME II; Nijmegen breakage syndrome; Microcephaly with normal intelligence immunodeficiency and lymphoreticular malignancies; Nonsyndromal microcephaly autosomal recessive with normal intelligence; Seemanova syndrome 2. Identifiers: Orphanet 647, MedGen C0398791, MONDO:0009623, OMIM 251260.
Hereditary cancer-predisposing syndrome. Also called: Tumor predisposition; Hereditary Cancer Syndrome; Hereditary neoplastic syndrome; Neoplastic Syndromes, Hereditary. Identifiers: Orphanet 140162, MedGen C0027672, MeSH D009386, MONDO:0015356.

Submissions (2):

Myriad Genetics, Inc.
Classification: Pathogenic for Microcephaly, normal intelligence and immunodeficiency. Last evaluated: 2024-12-22. Review status: criteria provided, single submitter. Criteria: Myriad Autosomal Dominant, Autosomal Recessive and X-Linked Classification Criteria (2023). Collection method: clinical testing. Allele origin: unknown.
Comment: NM_002485.4(NBN):c.1718_1727dup10(D577Vfs*4) is expected to be pathogenic in the context of Nijmegen breakage syndrome. This variant is predicted to lead to an abnormal or absent protein product due to the creation of a premature termination codon in NBN, a gene where loss-of-function variants are known to be pathogenic. Please note: this variant was assessed in the context of healthy population screening.

Ambry Genetics
Classification: Pathogenic for Hereditary cancer-predisposing syndrome. Last evaluated: 2021-12-29. Review status: criteria provided, single submitter. Criteria: Ambry Variant Classification Scheme 2023. Collection method: clinical testing. Allele origin: germline.
Comment: The c.1718_1727dup10 variant, located in coding exon 11 of the NBN gene, results from a duplication of AGTTAGAAAT at nucleotide position 1718, causing a translational frameshift with a predicted alternate stop codon (p.D577Vfs*4). This variant is considered to be rare based on population cohorts in the Genome Aggregation Database (gnomAD). This alteration is expected to result in loss of function by premature protein truncation or nonsense-mediated mRNA decay. As such, this alteration is interpreted as a disease-causing mutation.

NM_002485.5(NBN):c.1718_1727dup (p.Asp577fs)

Gene: NBN (nibrin; minus strand). Cytogenetic location: 8q21.3.
Variant type: Duplication.
Coding change: c.1718_1727dup on transcript NM_002485.5 (MANE Select); coding-DNA positions 1718 to 1727, 10 bases duplicated (AGTTAGAAAT; older notation c.1718_1727dupAGTTAGAAAT).
Protein change: p.Asp577fs; shifts the reading frame from aspartic acid 577.
Molecular consequence: frameshift variant.
Genome position (GRCh38, 1-based): chr8:89,953,362-89,953,371, ATTTCTAACT duplicated on the plus strand (AGTTAGAAAT on the coding strand, the reverse complement: NBN is on the minus strand). VCF-style (leftmost placement, unchanged base first): chr8-89953361-A-AATTTCTAACT. GRCh37 (hg19) VCF-style: chr8-90965589-A-AATTTCTAACT.
Other names: c.1718_1727dupAGTTAGAAAT (NM_002485.4); c.1472_1481dup, p.Asp495fs (NM_001024688.3); short protein forms D577fs, D495fs.
Identifiers: ClinVar variation 1778658 (VCV001778658.3), dbSNP rs2488229897, ClinGen allele CA2580079001.